The following is an entry in ClinVar:

ClinVar aggregate classification (germline): Uncertain significance (1 of 4 stars; one submission).

Conditions:
Glycogen storage disease IXb (GSD9B). Also called: PHOSPHORYLASE KINASE DEFICIENCY OF LIVER AND MUSCLE, AUTOSOMAL RECESSIVE; GLYCOGENOSIS OF LIVER AND MUSCLE, AUTOSOMAL RECESSIVE; GSD IXb. Identifiers: Orphanet 79240, MedGen C0543514, MONDO:0009868, OMIM 261750.

Allele frequency attached by ClinVar (database versions not stated): gnomAD exomes below 0.00001.
gnomAD v4.1: 2 of 1,614,164 alleles (0.00012%); highest among the groups gnomAD compares: Admixed American, 0.0017%; no homozygotes.

Submission:

Labcorp Genetics (formerly Invitae), Labcorp
Classification: Uncertain significance for Glycogen storage disease IXb. Last evaluated: 2021-03-21. Review status: criteria provided, single submitter. Criteria: Invitae Variant Classification Sherloc (09022015). Collection method: clinical testing. Allele origin: germline.
Comment: This variant has not been reported in the literature in individuals with PHKB-related conditions. Algorithms developed to predict the effect of missense changes on protein structure and function output the following: SIFT: "Tolerated"; PolyPhen-2: "Benign"; Align-GVGD: "Class C0". The serine amino acid residue is found in multiple mammalian species, suggesting that this missense change does not adversely affect protein function. These predictions have not been confirmed by published functional studies and their clinical significance is uncertain. This variant is not present in population databases (ExAC no frequency). In summary, the available evidence is currently insufficient to determine the role of this variant in disease. Therefore, it has been classified as a Variant of Uncertain Significance. This sequence change replaces asparagine with serine at codon 1075 of the PHKB protein (p.Asn1075Ser). The asparagine residue is moderately conserved and there is a small physicochemical difference between asparagine and serine.

NM_000293.3(PHKB):c.3224A>G (p.Asn1075Ser)

Gene: PHKB (phosphorylase kinase regulatory subunit beta; plus strand). Cytogenetic location: 16q12.1.
Variant type: single nucleotide variant.
Coding change: c.3224A>G on transcript NM_000293.3 (MANE Select); coding-DNA position 3224, A replaced by G.
Protein change: p.Asn1075Ser; replaces asparagine 1075 with serine.
Molecular consequence: missense variant.
Genome position (GRCh38, 1-based): chr16:47,699,308, A>G. VCF-style: chr16-47699308-A-G. GRCh37 (hg19) VCF-style: chr16-47733219-A-G.
Other names: c.3203A>G, p.Asn1068Ser (NM_001031835.3); c.3224A>G, p.Asn1075Ser (NM_001363837.1); short protein forms N1068S, N1075S.
Identifiers: ClinVar variation 1404343 (VCV001404343.8), dbSNP rs1405663204, ClinGen allele CA396101911.